The following is an entry in ClinVar:

ClinVar aggregate classification (germline): Uncertain significance. Review status: criteria provided, multiple submitters, no conflicts (2 of 4 stars). 2 submissions from 2 submitters: Uncertain significance (2). Last evaluated 2023-07-14.

Conditions:
SRCAP-related disorder. Also called: SRCAP-related condition.

gnomAD v4.1: 2 of 1,614,210 alleles (0.00012%); highest among the groups gnomAD compares: Non-Finnish European, 0.00017%; no homozygotes.

Submissions (2):

PreventionGenetics, part of Exact Sciences
Classification: Uncertain significance for SRCAP-related condition. Last evaluated: 2023-07-14. Review status: criteria provided, single submitter. Criteria: ACMG Guidelines, 2015. Collection method: clinical testing. Allele origin: germline.
Comment: The SRCAP c.5182C>G variant is predicted to result in the amino acid substitution p.Pro1728Ala. To our knowledge, this variant has not been reported in the literature or in a large population database, indicating this variant is rare. At this time, the clinical significance of this variant is uncertain due to the absence of conclusive functional and genetic evidence.

GeneDx
Classification: Uncertain significance. Last evaluated: 2022-07-11. Review status: criteria provided, single submitter. Criteria: GeneDx Variant Classification Process June 2021. Collection method: clinical testing. Allele origin: germline. Affected: yes.
Comment: Not observed at significant frequency in large population cohorts (gnomAD); In silico analysis supports that this missense variant does not alter protein structure/function; Has not been previously published as pathogenic or benign to our knowledge

NM_006662.3(SRCAP):c.5182C>G (p.Pro1728Ala)

Gene: SRCAP (Snf2 related CREBBP activator protein; plus strand). Cytogenetic location: 16p11.2.
Variant type: single nucleotide variant.
Coding change: c.5182C>G on transcript NM_006662.3 (MANE Select); coding-DNA position 5182, C replaced by G.
Protein change: p.Pro1728Ala; replaces proline 1728 with alanine.
Molecular consequence: missense variant.
Genome position (GRCh38, 1-based): chr16:30,724,606, C>G. VCF-style: chr16-30724606-C-G. GRCh37 (hg19) VCF-style: chr16-30735927-C-G.
Other names: short protein forms P1728A.
Identifiers: ClinVar variation 1878958 (VCV001878958.2), dbSNP rs2053044714, ClinGen allele CA395617810.